The following is an entry in ClinVar:

ClinVar aggregate classification (germline): Uncertain significance (1 of 4 stars; one submission).

Submission:

Dasa
Classification: Uncertain significance. Last evaluated: 2025-12-03. Review status: criteria provided, single submitter. Criteria: DASA Assertion Criteria. Collection method: clinical testing. Allele origin: germline.
Comment: NM_001122630.2(CDKN1C):c.581C>A (p.Ala194Asp) is a missense variant that results in the substitution of alanine with aspartic acid. This variant is rare in population databases. Computational prediction algorithms are consistent with a benign effect. The currently available literature and clinical evidence are not sufficient to establish a definitive association between this variant and the reported condition. Therefore, this variant is classified as a variant of uncertain significance.

NM_001122630.2(CDKN1C):c.581C>A (p.Ala194Asp)

Gene: CDKN1C (cyclin dependent kinase inhibitor 1C; minus strand). Cytogenetic location: 11p15.4.
Variant type: single nucleotide variant.
Coding change: c.581C>A on transcript NM_001122630.2 (MANE Select); coding-DNA position 581, C replaced by A.
Protein change: p.Ala194Asp; replaces alanine 194 with aspartic acid.
Molecular consequence: missense variant. On other transcripts: intron variant (1).
Genome position (GRCh38, 1-based): chr11:2,884,876, G>T on the plus strand (C>A on the coding strand, the complement: CDKN1C is on the minus strand). VCF-style: chr11-2884876-G-T. GRCh37 (hg19) VCF-style: chr11-2906106-G-T.
Other names: c.614C>A, p.Ala205Asp (NM_000076.2, NM_001362474.2); c.581C>A, p.Ala194Asp (NM_001122631.2); c.255+326C>A (NM_001362475.2); short protein forms A194D, A205D.
Identifiers: ClinVar variation 4882607 (VCV004882607.2).